The following is an entry in ClinVar:

ClinVar aggregate classification (germline): Uncertain significance. Review status: criteria provided, multiple submitters, no conflicts (2 of 4 stars). 2 submissions from 2 submitters: Uncertain significance (2). Last evaluated 2024-11-28.

Conditions:
Inborn genetic diseases. Identifiers: MedGen C0950123, MeSH D030342.
Brown-Vialetto-van Laere syndrome 2. Also called: Riboflavin transporter deficiency type 2; SPINOCEREBELLAR ATAXIA WITH BLINDNESS AND DEAFNESS 2. Identifiers: Orphanet 572543, Orphanet 97229, MedGen C3553538, MONDO:0013867, OMIM 614707.

Allele frequency attached by ClinVar (database versions not stated): gnomAD 0.00004 and 0.00003; ESP Exome Variant Server 0.00008; ExAC 0.00002; gnomAD exomes 0.00004 and 0.00003; TOPMed 0.00004.
gnomAD v4.1: 54 of 1,613,158 alleles (0.0033%); highest among the groups gnomAD compares: South Asian, 0.0077%; no homozygotes.

Submissions (2):

Ambry Genetics
Classification: Uncertain significance for Inborn genetic diseases. Last evaluated: 2024-11-28. Review status: criteria provided, single submitter. Criteria: Ambry Variant Classification Scheme 2023. Collection method: clinical testing. Allele origin: germline.

Labcorp Genetics (formerly Invitae), Labcorp
Classification: Uncertain significance for Brown-Vialetto-van Laere syndrome 2. Last evaluated: 2022-03-10. Review status: criteria provided, single submitter. Criteria: Invitae Variant Classification Sherloc (09022015). Collection method: clinical testing. Allele origin: germline.
Comment: This sequence change replaces valine, which is neutral and non-polar, with methionine, which is neutral and non-polar, at codon 385 of the SLC52A2 protein (p.Val385Met). This variant is present in population databases (rs376552382, gnomAD 0.01%). This variant has not been reported in the literature in individuals affected with SLC52A2-related conditions. ClinVar contains an entry for this variant (Variation ID: 1037886). Advanced modeling of protein sequence and biophysical properties (such as structural, functional, and spatial information, amino acid conservation, physicochemical variation, residue mobility, and thermodynamic stability) performed at Invitae indicates that this missense variant is not expected to disrupt SLC52A2 protein function. In summary, the available evidence is currently insufficient to determine the role of this variant in disease. Therefore, it has been classified as a Variant of Uncertain Significance.

NM_001363118.2(SLC52A2):c.1153G>A (p.Val385Met)

Gene: SLC52A2 (solute carrier family 52 member 2; plus strand). Cytogenetic location: 8q24.3.
Variant type: single nucleotide variant.
Coding change: c.1153G>A on transcript NM_001363118.2 (MANE Select); coding-DNA position 1153, G replaced by A.
Protein change: p.Val385Met; replaces valine 385 with methionine.
Molecular consequence: missense variant. On other transcripts: non-coding transcript variant (1).
Genome position (GRCh38, 1-based): chr8:144,360,830, G>A. VCF-style: chr8-144360830-G-A. GRCh37 (hg19) VCF-style: chr8-145584490-G-A.
Other names: c.1153G>A, p.Val385Met (NM_001363120.2, NM_001363121.2, NM_024531.5 and 2 more transcripts); c.661G>A, p.Val221Met (NM_001363122.2); c.1153G>A (NM_024531.3); short protein forms V221M, V385M.
Identifiers: ClinVar variation 1037886 (VCV001037886.3), dbSNP rs376552382, ClinGen allele CA4938419.